The following is an entry in ClinVar:

NM_007294.4(BRCA1):c.2269del (p.Val757fs)

Gene: BRCA1 (BRCA1 DNA repair associated; minus strand). Cytogenetic location: 17q21.31.
Variant type: Deletion.
Coding change: c.2269del on transcript NM_007294.4 (MANE Select); coding-DNA position 2269, one base deleted (G; older notation c.2269delG).
Protein change: p.Val757fs; shifts the reading frame from valine 757.
Molecular consequence: frameshift variant. On other transcripts: intron variant (137).
Genome position (GRCh38, 1-based): chr17:43,093,262, C deleted on the plus strand (G on the coding strand, the reverse complement: BRCA1 is on the minus strand); the first of 3 consecutive C bases (chr17:43,093,262-43,093,264); deleting any one gives the same sequence. VCF-style (leftmost placement, unchanged base first): chr17-43093261-AC-A. GRCh37 (hg19) VCF-style: chr17-41245278-AC-A.
Other names: 2388delG; c.2269delG (NM_007294.3, NM_007300.3); c.2128del, p.Val710fs (NM_001407734.1, NM_001407735.1, NM_001407736.1 and 29 more transcripts); c.2125del, p.Val709fs (NM_001407740.1, NM_001407741.1, NM_001407742.1 and 20 more transcripts); c.2056del, p.Val686fs (NM_001407853.1, NM_001407894.1, NM_001407895.1 and 9 more transcripts); c.2269del, p.Val757fs (NM_001407854.1, NM_001407858.1, NM_001407859.1 and 30 more transcripts); c.2266del, p.Val756fs (NM_001407860.1, NM_001407861.1, NM_001407587.1 and 22 more transcripts); c.2068del, p.Val690fs (NM_001407862.1); and 43 more; short protein forms V757fs, V710fs, V686fs, V690fs, V754fs, V461fs, V630fs, V669fs.
Identifiers: ClinVar variation 37459 (VCV000037459.40), dbSNP rs80357583, ClinGen allele CA001516.

ClinVar aggregate classification (germline): Pathogenic. Review status: reviewed by expert panel (3 of 4 stars). 21 submissions from 21 submitters: Pathogenic (1). 20 of the submissions do not count toward it. Last evaluated 2016-04-22.

Conditions:
Inherited breast cancer and ovarian cancer.
Breast and/or ovarian cancer. Identifiers: MedGen CN221562.
Hereditary cancer-predisposing syndrome. Also called: Tumor predisposition; Neoplastic Syndromes, Hereditary; Hereditary Cancer Syndrome; Hereditary neoplastic syndrome. Identifiers: Orphanet 140162, MedGen C0027672, MeSH D009386, MONDO:0015356.
Hereditary breast ovarian cancer syndrome. Also called: Hereditary breast and ovarian cancer syndrome (HBOC); Hereditary breast and ovarian cancer syndrome; Hereditary breast and ovarian cancer; Hereditary breast and/or ovarian cancer syndrome; Breast and ovarian cancer; BRCA1- and BRCA2-Associated Hereditary Breast and Ovarian Cancer. Identifiers: Orphanet 145, MedGen C0677776, MeSH D061325, MONDO:0003582. Disease mechanism: loss of function.
Breast-ovarian cancer, familial, susceptibility to, 1 (BROVCA1). Also called: OVARIAN CANCER, SUSCEPTIBILITY TO; BRCA1 Hereditary Breast and Ovarian Cancer. Identifiers: Orphanet 145, MedGen C2676676, MONDO:0011450, OMIM 604370. Disease mechanism: loss of function.

Submissions 1 to 10 of 21:

Evidence-based Network for the Interpretation of Germline Mutant Alleles (ENIGMA)
Classification: Pathogenic for Breast-ovarian cancer, familial, susceptibility to, 1. Last evaluated: 2016-04-22. Review status: reviewed by expert panel. Criteria: ENIGMA BRCA1/2 Classification Criteria (2015). Collection method: curation. Allele origin: germline.
Comment: Variant allele predicted to encode a truncated non-functional protein.

GeneDx
Classification: Pathogenic. Last evaluated: 2026-08-02. Review status: criteria provided, single submitter. Criteria: GeneDx Variant Classification Process June 2021. Collection method: clinical testing. Allele origin: germline. Not counted in ClinVar's aggregate classification.
Comment: Reported in individuals with a personal and/or family history of breast and/or ovarian cancer in published literature (PMID: 9150149, 21232165, 25863477, 19147582, 26187060, 17688236, 21120943, 12181777, 27553291, 26306726, 26681678, 27767231, 28724667, 27062684); Frameshift variant predicted to result in protein truncation or nonsense mediated decay in a gene for which loss of function is a known mechanism of disease; Truncating variants in this gene are considered pathogenic by a well-established clinical consortium and/or database; Not observed at significant frequency in large population cohorts (gnomAD); Also known as 2388delG; This variant is associated with the following publications: (PMID: 17688236, 26187060, 26306726, 19147582, 27767231, 36974006, 35864222, 27553291, 40578183, 38355628, 33461583, 31825140, 29922827, 30040829, 28888541, 31742824, 9150149, 21232165, 25863477, 21120943, 12181777, 16998791, 26681678, 29470806, 28724667, 27062684, 30014164, 29061375, 30702160, 30720243, 31528241, 35377489, 19369211, 25348405, 40749126)

Genetics Laboratory, Great Ormond Street Hospital NHS Foundation Trust, North Thames Genomic Laboratory Hub
Classification: Pathogenic for Inherited breast cancer and ovarian cancer. Last evaluated: 2026-04-09. Review status: criteria provided, single submitter. Criteria: CanVIG BRCA Gene Specific V1.22. Collection method: clinical testing. Allele origin: germline. Affected: yes. Not counted in ClinVar's aggregate classification.
Comment: PS4_supporting, PM2_supporting, PVS1_very-strong, PM5_strong

Labcorp Genetics (formerly Invitae), Labcorp
Classification: Pathogenic for Hereditary breast ovarian cancer syndrome. Last evaluated: 2026-01-16. Review status: criteria provided, single submitter. Criteria: Invitae Variant Classification Sherloc (09022015). Collection method: clinical testing. Allele origin: germline. Not counted in ClinVar's aggregate classification.
Comment: This sequence change creates a premature translational stop signal (p.Val757Phefs*8) in the BRCA1 gene. It is expected to result in an absent or disrupted protein product. Loss-of-function variants in BRCA1 are known to be pathogenic (PMID: 20104584). This variant is present in population databases (rs80357583, gnomAD 0.0009%). This premature translational stop signal has been observed in individual(s) with breast and/or ovarian cancer (PMID: 9150149, 25863477, 26306726, 27553291). This variant is also known as 2388delG. ClinVar contains an entry for this variant (Variation ID: 37459). For these reasons, this variant has been classified as Pathogenic.

Color Diagnostics, LLC DBA Color Health
Classification: Pathogenic for Hereditary cancer-predisposing syndrome. Last evaluated: 2024-06-03. Review status: criteria provided, single submitter. Criteria: ACMG Guidelines, 2015. Collection method: clinical testing. Allele origin: germline. Not counted in ClinVar's aggregate classification.
Comment: This variant deletes 1 nucleotide in exon 10 of the BRCA1 gene, creating a frameshift and premature translation stop signal. This variant is expected to result in an absent or non-functional protein product. To our knowledge, functional studies have not been reported for this variant. This variant has been observed in at least seven individuals and families affected with breast and ovarian cancer (PMID: 8764110, 9150149, 12181777, 16998791, 21232165, 25863477, 30040829). This variant has been identified in 1/251198 chromosomes in the general population by the Genome Aggregation Database (gnomAD). Loss of BRCA1 function is a known mechanism of disease. Based on the available evidence, this variant is classified as Pathogenic.

Baylor Genetics
Classification: Pathogenic for Breast-ovarian cancer, familial, susceptibility to, 1. Last evaluated: 2024-01-10. Review status: criteria provided, single submitter. Criteria: ACMG Guidelines, 2015. Collection method: clinical testing. Allele origin: unknown. Not counted in ClinVar's aggregate classification.

Quest Diagnostics Nichols Institute San Juan Capistrano
Classification: Pathogenic. Last evaluated: 2023-12-15. Review status: criteria provided, single submitter. Criteria: Quest Diagnostics criteria. Collection method: clinical testing. Allele origin: unknown. Not counted in ClinVar's aggregate classification.
Comment: The BRCA1 c.2269del (p.Val757Phefs*8) variant alters the translational reading frame of the BRCA1 mRNA and causes the premature termination of BRCA1 protein synthesis. This variant has been reported in the published literature in individuals with breast cancer (PMID: 9150149 (1997), 28724667 (2017), 27553291 (2016), 30014164 (2018), 29470806 (2018)) and ovarian cancer (PMID: 26306726 (2015), 30040829 (2018), 35377489 (2022)). The frequency of this variant in the general population, 0.000004 (1/251198 chromosomes (Genome Aggregation Database)), is consistent with pathogenicity. Based on the available information, this variant is classified as pathogenic.

KCCC/NGS Laboratory, Kuwait Cancer Control Center
Classification: Pathogenic for Breast-ovarian cancer, familial, susceptibility to, 1. Last evaluated: 2023-05-31. Review status: criteria provided, single submitter. Criteria: ACMG Guidelines, 2015. Collection method: clinical testing. Allele origin: unknown. Inheritance: Autosomal dominant inheritance. Affected: yes. Observed: 1 heterozygote. Not counted in ClinVar's aggregate classification.
Comment: A known pathogenic variant was detected in the BRCA1 gene (p.Val757fs). This sequence change creates a premature translational stop signal (p.Val757Phefs*8) in the BRCA1 gene. It is expected to result in an absent or disrupted protein product. Loss-of-function variants in BRCA1 are known to be pathogenic (PMID: 20104584). This variant is present in population databases (rs80357583, gnomAD 0.0009%). This premature translational stop signal has been observed in individual(s) with breast and/or ovarian cancer (PMID: 9150149, 25863477, 26306726, 27553291). This variant is also known as 2388delG. ClinVar contains an entry for this variant (Variation ID: 37459). For these reasons, this variant has been classified as Pathogenic.

Centre for Mendelian Genomics, University Medical Centre Ljubljana
Classification: Pathogenic for Breast-ovarian cancer, familial, susceptibility to, 1. Last evaluated: 2022-12-09. Review status: criteria provided, single submitter. Criteria: ACMG Guidelines, 2015. Collection method: research. Allele origin: germline. Affected: no. Not counted in ClinVar's aggregate classification.
Comment: PVS1, PS4_STR PM2_SUP

Ambry Genetics
Classification: Pathogenic for Hereditary cancer-predisposing syndrome. Last evaluated: 2022-08-04. Review status: criteria provided, single submitter. Criteria: Ambry Variant Classification Scheme 2023. Collection method: clinical testing. Allele origin: germline. Not counted in ClinVar's aggregate classification.
Comment: The c.2269delG pathogenic mutation, located in coding exon 9 of the BRCA1 gene, results from a deletion of one nucleotide at nucleotide position 2269, causing a translational frameshift with a predicted alternate stop codon (p.V757Ffs*8). This mutation has been identified in multiple families with Hereditary Breast and Ovarian Cancer (HBOC) syndrome (Sobol H et al. Cancer Res. 1996 Jul;56:3216-9; Stoppa-Lyonnet D et al. Am. J. Hum. Genet. 1997 May;60:1021-30; Liede A et al. Am. J. Hum. Genet. 2002 Sep;71:595-606; Stegel V et al. BMC Med. Genet. 2011 Jan;12:9; Kang E et al. Breast Cancer Res. Treat. 2015 May;151:157-68; Azzollini J et al. Eur. J. Intern. Med. 2016 Jul;32:65-71; Rashid MU et al. BMC Cancer 2016 08;16(1):673). Of note, this alteration is also designated as 2388delG in published literature. In addition to the clinical data presented in the literature, this alteration is expected to result in loss of function by premature protein truncation or nonsense-mediated mRNA decay. As such, this alteration is interpreted as a disease-causing mutation.